The following is an entry in ClinVar:

NM_020207.7(ERCC6L2):c.3433G>A (p.Val1145Ile)

Gene: ERCC6L2 (ERCC excision repair 6 like 2; plus strand). Cytogenetic location: 9q22.32.
Variant type: single nucleotide variant.
Coding change: c.3433G>A on transcript NM_020207.7 (MANE Select); coding-DNA position 3433, G replaced by A.
Protein change: p.Val1145Ile; replaces valine 1145 with isoleucine.
Molecular consequence: missense variant. On other transcripts: non-coding transcript variant (1).
Genome position (GRCh38, 1-based): chr9:95,978,156, G>A. VCF-style: chr9-95978156-G-A. GRCh37 (hg19) VCF-style: chr9-98740438-G-A.
Other names: c.3433G>A, p.Val1145Ile (NM_001375291.1, NM_001375292.1, NM_001375293.1 and 1 more transcripts); short protein forms V1145I.
Identifiers: ClinVar variation 1924612 (VCV001924612.4), dbSNP rs565200304, ClinGen allele CA5139921.
Genomic context (GRCh38, chr9:95,978,156, plus strand): 5'-CAGAATGTAATTGGATCGAGCAAAGCTGAAAATCACATGAGCCGATGGGCAGCACATGAC[G>A]TATTTGAGTTGAAGCAGTTTTCTCAGCTGCCTGCTAACATAGCTGTTTGCAGTTCTAAGG-3'
Protein context (NP_064592.3, residues 1135-1155): NHMSRWAAHD[Val1145Ile]FELKQFSQLP

ClinVar aggregate classification (germline): Uncertain significance (1 of 4 stars; one submission).

Allele frequency attached by ClinVar (database versions not stated): ExAC 0.00001; gnomAD exomes 0.00002; 1000 Genomes Project 30x 0.00016; 1000 Genomes Project 0.00020.
gnomAD v4.1: 29 of 1,367,312 alleles (0.0021%); highest among the groups gnomAD compares: East Asian, 0.0091%; no homozygotes.

Submission:

Labcorp Genetics (formerly Invitae), Labcorp
Classification: Uncertain significance. Last evaluated: 2024-09-09. Review status: criteria provided, single submitter. Criteria: Invitae Variant Classification Sherloc (09022015). Collection method: clinical testing. Allele origin: germline.
Comment: This sequence change replaces valine, which is neutral and non-polar, with isoleucine, which is neutral and non-polar, at codon 1156 of the ERCC6L2 protein (p.Val1156Ile). The frequency data for this variant in the population databases is considered unreliable, as metrics indicate poor data quality at this position in the gnomAD database. This variant has not been reported in the literature in individuals affected with ERCC6L2-related conditions. ClinVar contains an entry for this variant (Variation ID: 1924612). Experimental studies and prediction algorithms are not available or were not evaluated, and the functional significance of this variant is currently unknown. In summary, the available evidence is currently insufficient to determine the role of this variant in disease. Therefore, it has been classified as a Variant of Uncertain Significance.